The following is an entry in ClinVar:

NM_001367916.1(MAGT1):c.-21A>G

Genes: MAGT1 (magnesium transporter 1; minus strand), LOC130068460 (ATAC-STARR-seq lymphoblastoid active region 29781; plus strand). Cytogenetic location: Xq21.1.
Variant type: single nucleotide variant.
Coding change: c.-21A>G on transcript NM_001367916.1 (MANE Select); 21 bases upstream of the start codon, A replaced by G.
Molecular consequence: 5 prime UTR variant. On other transcripts: missense variant (1).
Genome position (GRCh38, 1-based): chrX:77,895,431, T>C on the plus strand (A>G on the coding strand, the complement: MAGT1 is on the minus strand). VCF-style: chrX-77895431-T-C. GRCh37 (hg19) VCF-style: chrX-77150928-T-C.
Other names: c.76A>G, p.Ile26Val (NM_032121.5); short protein forms I26V.
Identifiers: ClinVar variation 2762423 (VCV002762423.3), dbSNP rs2522051435, ClinGen allele CA413714457.
Genomic context (GRCh38, chrX:77,895,431, plus strand): 5'-TGGTCACAGAGACACACCAAAACCGCCAACGCGCTGCCATGTTCGCTCCTCTCCCTTCTA[T>C]AAGTGAAACTTTGCTCCGGCTAGGTCTGAGGGTGGGGCGTGAGAACAGGCAAATCGGCCC-3'

ClinVar aggregate classification (germline): Uncertain significance (1 of 4 stars; one submission).

Conditions:
X-linked immunodeficiency with magnesium defect, Epstein-Barr virus infection and neoplasia. Identifiers: Orphanet 317476, MedGen C3275445, MONDO:0010455, OMIM 300853.

Allele frequency attached by ClinVar (database versions not stated): gnomAD exomes below 0.00001.
gnomAD v4.1: 1 of 1,208,436 alleles (0.000083%); highest among the groups gnomAD compares: Non-Finnish European, 0.00011%; no homozygotes.

Submission:

Labcorp Genetics (formerly Invitae), Labcorp
Classification: Uncertain significance for X-linked immunodeficiency with magnesium defect, Epstein-Barr virus infection and neoplasia. Last evaluated: 2023-07-10. Review status: criteria provided, single submitter. Criteria: Invitae Variant Classification Sherloc (09022015). Collection method: clinical testing. Allele origin: germline.
Comment: In summary, the available evidence is currently insufficient to determine the role of this variant in disease. Therefore, it has been classified as a Variant of Uncertain Significance. An algorithm developed to predict the effect of missense changes on protein structure and function (PolyPhen-2) suggests that this variant is likely to be tolerated. This variant has not been reported in the literature in individuals affected with MAGT1-related conditions. This variant is not present in population databases (gnomAD no frequency). This sequence change replaces isoleucine, which is neutral and non-polar, with valine, which is neutral and non-polar, at codon 26 of the MAGT1 protein (p.Ile26Val).